The following is an entry in ClinVar:

ClinVar aggregate classification (germline): Uncertain significance (1 of 4 stars; one submission).

Submission:

Greenwood Genetic Center Diagnostic Laboratories, Greenwood Genetic Center
Classification: Uncertain significance. Last evaluated: 2021-09-29. Review status: criteria provided, single submitter. Criteria: ACMG Guidelines, 2015. Collection method: clinical testing. Allele origin: germline. Affected: yes.
Comment: PM2

NM_016937.3(POLA1):c.-62G>A

Gene: POLA1 (DNA polymerase alpha 1, catalytic subunit; plus strand). Cytogenetic location: Xp22.11.
Variant type: single nucleotide variant.
Coding change: c.-62G>A on transcript NM_016937.3; 62 bases upstream of the start codon, G replaced by A.
Genome position (GRCh38, 1-based): chrX:24,693,900, G>A. VCF-style: chrX-24693900-G-A. GRCh37 (hg19) VCF-style: chrX-24712017-G-A.
Identifiers: ClinVar variation 1334603 (VCV001334603.6), dbSNP rs2148293745, ClinGen allele CA2573055223.